The following is an entry in ClinVar:

NM_003051.4(SLC16A1):c.102T>C (p.Tyr34=)

Gene: SLC16A1 (solute carrier family 16 member 1; minus strand). Cytogenetic location: 1p13.2.
Variant type: single nucleotide variant.
Coding change: c.102T>C on transcript NM_003051.4 (MANE Select); coding-DNA position 102, T replaced by C.
Protein change: p.Tyr34=; no amino-acid change (tyrosine 34 retained).
Molecular consequence: synonymous variant.
Genome position (GRCh38, 1-based): chr1:112,929,207, A>G on the plus strand (T>C on the coding strand, the complement: SLC16A1 is on the minus strand). VCF-style: chr1-112929207-A-G. GRCh37 (hg19) VCF-style: chr1-113471829-A-G.
Other names: c.102T>C, p.Tyr34= (NM_001166496.2).
Identifiers: ClinVar variation 2570730 (VCV002570730.30), dbSNP rs755851662, ClinGen allele CA1011521.
Genomic context (GRCh38, chr1:112,929,207, plus strand): 5'-GGTGGCATGGAATATACCTTCAATCTCTTTGAAGAAGACAGTAATTGATTTGGGAAATGC[A>G]TAAGAGAAGCCGATGGAAATGAAAGCTCCAATTACCACTGCCCAGCCCCAGCCTCCATCT-3'
Protein context (NP_003042.3, residues 24-44): IGAFISIGFS[Tyr34=]AFPKSITVFF

ClinVar aggregate classification (germline): Likely benign. Review status: criteria provided, multiple submitters, no conflicts (2 of 4 stars). 2 submissions from 2 submitters: Likely benign (2). Last evaluated 2024-05-06.

Allele frequency attached by ClinVar (database versions not stated): TOPMed 0.00001; ExAC 0.00002; gnomAD 0.00004; gnomAD exomes 0.00004.
gnomAD v4.1: 60 of 1,614,030 alleles (0.0037%); highest among the groups gnomAD compares: South Asian, 0.032%; no homozygotes.

Submissions (2):

Labcorp Genetics (formerly Invitae), Labcorp
Classification: Likely benign. Last evaluated: 2024-05-06. Review status: criteria provided, single submitter. Criteria: Invitae Variant Classification Sherloc (09022015). Collection method: clinical testing. Allele origin: germline.

CeGaT Center for Human Genetics Tuebingen
Classification: Likely benign. Last evaluated: 2023-05-01. Review status: criteria provided, single submitter. Criteria: CeGaT Center For Human Genetics Tuebingen Variant Classification Criteria Version 2. Collection method: clinical testing. Allele origin: germline. Affected: yes. Observed: 1 variant allele.
Comment: SLC16A1: BP4, BP7